The following is an entry in ClinVar:

ClinVar aggregate classification (germline): Uncertain significance (1 of 4 stars; one submission).

Conditions:
POLD1-related polyposis and colorectal cancer syndrome (CRCS10). Also called: Colorectal cancer 10; COLORECTAL CANCER, SUSCEPTIBILITY TO, ON CHROMOSOME 19q; Colorectal cancer, susceptibility to, 10. Identifiers: Orphanet 220460, MedGen C2675481, MONDO:0012953, OMIM 612591.

Submission:

Labcorp Genetics (formerly Invitae), Labcorp
Classification: Uncertain significance for Colorectal cancer 10. Last evaluated: 2019-12-16. Review status: criteria provided, single submitter. Criteria: Invitae Variant Classification Sherloc (09022015). Collection method: clinical testing. Allele origin: germline.
Comment: This variant is a deletion of the genomic region encompassing part of exon 12 and exons 13-14 (c.1413_1776-8del) of the POLD1 gene. It is expected to disrupt RNA splicing and likely results in an absent or disrupted protein product. This variant has not been reported in the literature in individuals with POLD1-related conditions. Missense variants that disrupt the 3'-5' exonuclease (proof-reading) activity of the POLD1 protein, while not abolishing its polymerase enzyme activity, are associated with an increased risk for colonic adenomatous polyps and colon cancer (PMID: 23263490, 23447401). Loss-of-function variants, which result in an absent or severely disrupted POLD1 protein, are therefore unlikely to be associated with disease. Without further clinical and genetic evidence, however, this variant has been classified as a Variant of Uncertain Significance.

Literature cited by the submitters: PubMed 23263490; PubMed 23447401.

NM_002691.4(POLD1):c.1415_1776-6del

Gene: POLD1 (DNA polymerase delta 1, catalytic subunit; plus strand). Cytogenetic location: 19q13.33.
Variant type: Deletion.
Coding change: c.1415_1776-6del on transcript NM_002691.4 (MANE Select); coding-DNA position 1415 through 6 bases into the intron before coding-DNA position 1776, 2,342 bases deleted.
Molecular consequence: splice acceptor variant, splice donor variant. On other transcripts: frameshift variant (1).
Genome position (GRCh38, 1-based): chr19:50,406,438-50,408,779, 2,342 bases deleted. GRCh37 (hg19): chr19:50,909,695-50,912,036.
Other names: c.1415_1848del, p.Tyr472fs (NM_001308632.1); c.1415_1776-6del (NM_001256849.1); short protein forms Y472fs.
Identifiers: ClinVar variation 856978 (VCV000856978.1), ClinGen allele CA916082473.